The following is an entry in ClinVar:

ClinVar aggregate classification (germline): Uncertain significance (1 of 4 stars; one submission).

Submission:

Labcorp Genetics (formerly Invitae), Labcorp
Classification: Uncertain significance. Last evaluated: 2022-02-28. Review status: criteria provided, single submitter. Criteria: Invitae Variant Classification Sherloc (09022015). Collection method: clinical testing. Allele origin: germline.
Comment: This sequence change replaces arginine, which is basic and polar, with serine, which is neutral and polar, at codon 1164 of the NBAS protein (p.Arg1164Ser). This variant is not present in population databases (gnomAD no frequency). This variant has not been reported in the literature in individuals affected with NBAS-related conditions. Algorithms developed to predict the effect of missense changes on protein structure and function are either unavailable or do not agree on the potential impact of this missense change (SIFT: "Deleterious"; PolyPhen-2: "Benign"; Align-GVGD: "Class C65"). In summary, the available evidence is currently insufficient to determine the role of this variant in disease. Therefore, it has been classified as a Variant of Uncertain Significance.

NM_015909.4(NBAS):c.3492G>C (p.Arg1164Ser)

Gene: NBAS (NBAS subunit of NRZ tethering complex; minus strand). Cytogenetic location: 2p24.3.
Variant type: single nucleotide variant.
Coding change: c.3492G>C on transcript NM_015909.4 (MANE Select); coding-DNA position 3492, G replaced by C.
Protein change: p.Arg1164Ser; replaces arginine 1164 with serine.
Molecular consequence: missense variant. On other transcripts: non-coding transcript variant (1).
Genome position (GRCh38, 1-based): chr2:15,379,700, C>G on the plus strand (G>C on the coding strand, the complement: NBAS is on the minus strand). VCF-style: chr2-15379700-C-G. GRCh37 (hg19) VCF-style: chr2-15519824-C-G.
Other names: short protein forms R1164S.
Identifiers: ClinVar variation 2098832 (VCV002098832.4), dbSNP rs1674937021, ClinGen allele CA345897067.
Genomic context (GRCh38, chr2:15,379,700, plus strand): 5'-AGAATTGAAGTACTCTCTGCTGGCAGCCAAAACCAAGTCAATACTCTTTTCGTAGCTGAC[C>G]CTGTAGTGGGGTTTCCCTTTATGGGCTATACCAGCTGGAGGATTTTCTGAACAAGCACTG-3'
Protein context (NP_056993.2, residues 1154-1174): GIAHKGKPHY[Arg1164Ser]VSYEKSIDLV